The following is an entry in ClinVar:

ClinVar aggregate classification (germline): Uncertain significance (1 of 4 stars; one submission).

Conditions:
Cryopyrin associated periodic syndrome (CAPS). Identifiers: Orphanet 208650, MedGen C2316212, MONDO:0016168.

Submission:

Labcorp Genetics (formerly Invitae), Labcorp
Classification: Uncertain significance for Cryopyrin associated periodic syndrome. Last evaluated: 2025-06-29. Review status: criteria provided, single submitter. Criteria: Invitae Variant Classification Sherloc (09022015). Collection method: clinical testing. Allele origin: germline.
Comment: This sequence change replaces asparagine, which is neutral and polar, with serine, which is neutral and polar, at codon 771 of the NLRP3 protein (p.Asn771Ser). This variant is not present in population databases (gnomAD no frequency). This variant has not been reported in the literature in individuals affected with NLRP3-related conditions. ClinVar contains an entry for this variant (Variation ID: 3714617). Invitae Evidence Modeling of protein sequence and biophysical properties (such as structural, functional, and spatial information, amino acid conservation, physicochemical variation, residue mobility, and thermodynamic stability) indicates that this missense variant is not expected to disrupt NLRP3 protein function with a negative predictive value of 95%. In summary, the available evidence is currently insufficient to determine the role of this variant in disease. Therefore, it has been classified as a Variant of Uncertain Significance.

NM_001243133.2(NLRP3):c.2306A>G (p.Asn769Ser)

Gene: NLRP3 (NLR family pyrin domain containing 3; plus strand). Cytogenetic location: 1q44.
Variant type: single nucleotide variant.
Coding change: c.2306A>G on transcript NM_001243133.2 (MANE Select); coding-DNA position 2306, A replaced by G.
Protein change: p.Asn769Ser; replaces asparagine 769 with serine.
Molecular consequence: missense variant. On other transcripts: intron variant (2).
Genome position (GRCh38, 1-based): chr1:247,429,740, A>G. VCF-style: chr1-247429740-A-G. GRCh37 (hg19) VCF-style: chr1-247593042-A-G.
Other names: c.2306A>G, p.Asn769Ser (NM_001079821.3, NM_001127461.3); c.2312A>G, p.Asn771Ser (NM_004895.5); c.2150+4141A>G (NM_001127462.3, NM_183395.3); short protein forms N769S, N771S.
Identifiers: ClinVar variation 3714617 (VCV003714617.2).